The following is an entry in ClinVar:

NM_014141.6(CNTNAP2):c.133C>A (p.His45Asn)

Gene: CNTNAP2 (contactin associated protein 2; plus strand). Cytogenetic location: 7q35.
Variant type: single nucleotide variant.
Coding change: c.133C>A on transcript NM_014141.6 (MANE Select); coding-DNA position 133, C replaced by A.
Protein change: p.His45Asn; replaces histidine 45 with asparagine.
Molecular consequence: missense variant.
Genome position (GRCh38, 1-based): chr7:146,774,306, C>A. VCF-style: chr7-146774306-C-A. GRCh37 (hg19) VCF-style: chr7-146471398-C-A.
Other names: short protein forms H45N.
Identifiers: ClinVar variation 2180960 (VCV002180960.1), dbSNP rs746922194, ClinGen allele CA4545704.
Genomic context (GRCh38, chr7:146,774,306, plus strand): 5'-CTCCCTCTCTGTCTTTTGTTTTCAGAAAAATGTGATGAGCCACTTGTCTCTGGACTCCCC[C>A]ATGTGGCTTTCAGCAGCTCCTCCTCCATCTCTGGTAGCTATTCTCCCGGCTATGCCAAGA-3'
Protein context (NP_054860.1, residues 35-55): CDEPLVSGLP[His45Asn]VAFSSSSSIS

ClinVar aggregate classification (germline): Uncertain significance (1 of 4 stars; one submission).

Conditions:
Cortical dysplasia-focal epilepsy syndrome (PTHSL1). Also called: Pitt-Hopkins-like syndrome 1. Identifiers: Orphanet 163681, Orphanet 221150, MedGen C2750246, MONDO:0012400, OMIM 610042.

gnomAD v4.1: 16 of 1,613,982 alleles (0.00099%); highest among the groups gnomAD compares: South Asian, 0.011%; no homozygotes.

Submission:

Labcorp Genetics (formerly Invitae), Labcorp
Classification: Uncertain significance for Cortical dysplasia-focal epilepsy syndrome. Last evaluated: 2022-11-01. Review status: criteria provided, single submitter. Criteria: Invitae Variant Classification Sherloc (09022015). Collection method: clinical testing. Allele origin: germline.
Comment: This sequence change replaces histidine, which is basic and polar, with asparagine, which is neutral and polar, at codon 45 of the CNTNAP2 protein (p.His45Asn). This variant is present in population databases (rs746922194, gnomAD 0.007%). This variant has not been reported in the literature in individuals affected with CNTNAP2-related conditions. Algorithms developed to predict the effect of missense changes on protein structure and function are either unavailable or do not agree on the potential impact of this missense change (SIFT: "Deleterious"; PolyPhen-2: "Benign"; Align-GVGD: "Class C0"). In summary, the available evidence is currently insufficient to determine the role of this variant in disease. Therefore, it has been classified as a Variant of Uncertain Significance.